The following is an entry in ClinVar:

ClinVar aggregate classification (germline): Pathogenic (1 of 4 stars; one submission).

Conditions:
Pendred syndrome (PDS). Also called: Pendred Syndrome (PDS); DEAFNESS WITH GOITER; GOITER-DEAFNESS SYNDROME; HYPOTHYROIDISM, CONGENITAL, DUE TO DYSHORMONOGENESIS, 2B; THYROID DYSHORMONOGENESIS 2B; THYROID HORMONOGENESIS, GENETIC DEFECT IN, 2B. Identifiers: Orphanet 705, MedGen C0271829, MONDO:0010134, OMIM 274600.

Submission:

Myriad Genetics, Inc.
Classification: Pathogenic for Pendred syndrome. Last evaluated: 2025-03-08. Review status: criteria provided, single submitter. Criteria: Myriad Autosomal Dominant, Autosomal Recessive and X-Linked Classification Criteria (2023). Collection method: clinical testing. Allele origin: unknown.
Comment: NM_000441.1(SLC26A4):c.1816_1820del5(S606Cfs*6) is expected to be pathogenic in the context of Pendred syndrome. This variant is predicted to lead to an abnormal or absent protein product due to the creation of a premature termination codon in SLC26A4, a gene where loss-of-function variants are known to be pathogenic. Please note: this variant was assessed in the context of healthy population screening.

NM_000441.2(SLC26A4):c.1816_1820del (p.Ser606fs)

Gene: SLC26A4 (solute carrier family 26 member 4; plus strand). Cytogenetic location: 7q22.3.
Variant type: Deletion.
Coding change: c.1816_1820del on transcript NM_000441.2 (MANE Select); coding-DNA positions 1816 to 1820, 5 bases deleted (AGTGA; older notation c.1816_1820delAGTGA).
Protein change: p.Ser606fs; shifts the reading frame from serine 606.
Molecular consequence: frameshift variant.
Genome position (GRCh38, 1-based): chr7:107,701,839-107,701,843, AGTGA deleted; deleting any 5 consecutive bases within chr7:107,701,838-107,701,843 gives the same sequence; the c. name uses the placement nearest the transcript's 3' end. VCF-style (leftmost placement, unchanged base first): chr7-107701837-TAAGTG-T. GRCh37 (hg19) VCF-style: chr7-107342282-TAAGTG-T.
Other names: short protein forms S606fs.
Identifiers: ClinVar variation 5014194 (VCV005014194.1).